The following is an entry in ClinVar:

NM_000238.4(KCNH2):c.439C>T (p.His147Tyr)

Gene: KCNH2 (potassium voltage-gated channel subfamily H member 2; minus strand). Cytogenetic location: 7q36.1.
Variant type: single nucleotide variant.
Coding change: c.439C>T on transcript NM_000238.4 (MANE Select); coding-DNA position 439, C replaced by T.
Protein change: p.His147Tyr; replaces histidine 147 with tyrosine.
Molecular consequence: missense variant. On other transcripts: non-coding transcript variant (1).
Genome position (GRCh38, 1-based): chr7:150,959,605, G>A on the plus strand (C>T on the coding strand, the complement: KCNH2 is on the minus strand). VCF-style: chr7-150959605-G-A. GRCh37 (hg19) VCF-style: chr7-150656693-G-A.
Other names: c.151C>T, p.His51Tyr (NM_001406753.1, NM_001406756.1); c.262C>T, p.His88Tyr (NM_001406755.1); c.139C>T, p.His47Tyr (NM_001406757.1); c.439C>T, p.His147Tyr (NM_172056.3); short protein forms H147Y, H88Y, H51Y, H47Y.
Identifiers: ClinVar variation 2967410 (VCV002967410.3), dbSNP rs2486100302, ClinGen allele CA369863648.
Genomic context (GRCh38, chr7:150,959,605, plus strand): 5'-AGCCTGCCCTAAAGCAAGTACACTTACCTGGGGCCAGCCAGCTGGTGGGGGGGCCCCGGT[G>A]GTTGGTGTCATGAGCCGGGGACCCCACCATGTCCTTCTCCATCACCACCTCGAAATTGAG-3'
Protein context (NP_000229.1, residues 137-157): MVGSPAHDTN[His147Tyr]RGPPTSWLAP

ClinVar aggregate classification (germline): Uncertain significance (1 of 4 stars; one submission).

Conditions:
Long QT syndrome (LQTS). Identifiers: MedGen C0023976, MeSH D008133, MONDO:0002442. Disease mechanism: loss of function. Inheritance: Various modes of inheritance.

Submission:

Labcorp Genetics (formerly Invitae), Labcorp
Classification: Uncertain significance for Long QT syndrome. Last evaluated: 2023-08-31. Review status: criteria provided, single submitter. Criteria: Invitae Variant Classification Sherloc (09022015). Collection method: clinical testing. Allele origin: germline.
Comment: In summary, the available evidence is currently insufficient to determine the role of this variant in disease. Therefore, it has been classified as a Variant of Uncertain Significance. An algorithm developed to predict the effect of missense changes on protein structure and function (PolyPhen-2) suggests that this variant is likely to be tolerated. This variant has not been reported in the literature in individuals affected with KCNH2-related conditions. This variant is not present in population databases (gnomAD no frequency). This sequence change replaces histidine, which is basic and polar, with tyrosine, which is neutral and polar, at codon 147 of the KCNH2 protein (p.His147Tyr).